The following is an entry in ClinVar:

ClinVar aggregate classification (germline): Uncertain significance. Review status: criteria provided, multiple submitters, no conflicts (2 of 4 stars). 4 submissions from 4 submitters: Uncertain significance (4). Last evaluated 2024-02-07.

Conditions:
Cenani-Lenz syndactyly syndrome. Also called: CENANI SYNDACTYLISM; SYNDACTYLY, TYPE VII. Identifiers: Orphanet 3258, MedGen C1859309, MONDO:0008931, OMIM 212780.
Sclerosteosis 2 (SOST2). Identifiers: Orphanet 3152, MedGen C3280402, MONDO:0013679, OMIM 614305.
Congenital myasthenic syndrome 17. Identifiers: Orphanet 590, MedGen C4225377, MONDO:0014578, OMIM 616304.
Inborn genetic diseases. Identifiers: MedGen C0950123, MeSH D030342.

Allele frequency attached by ClinVar (database versions not stated): ExAC 0.00006; gnomAD exomes 0.00006 and 0.00024; gnomAD 0.00008 and 0.00009; TOPMed 0.00011; ESP Exome Variant Server 0.00015; 1000 Genomes Project 30x 0.00031.
gnomAD v4.1: 357 of 1,614,248 alleles (0.022%); highest among the groups gnomAD compares: Non-Finnish European, 0.029%; no homozygotes.

Submissions (4):

Fulgent Genetics
Classification: Uncertain significance for Cenani-Lenz syndactyly syndrome; Sclerosteosis 2; Congenital myasthenic syndrome 17. Last evaluated: 2024-02-07. Review status: criteria provided, single submitter. Criteria: ACMG Guidelines, 2015. Collection method: clinical testing. Allele origin: germline.

Labcorp Genetics (formerly Invitae), Labcorp
Classification: Uncertain significance for Cenani-Lenz syndactyly syndrome; Sclerosteosis 2; Congenital myasthenic syndrome 17. Last evaluated: 2024-01-25. Review status: criteria provided, single submitter. Criteria: Invitae Variant Classification Sherloc (09022015). Collection method: clinical testing. Allele origin: germline.
Comment: This sequence change replaces valine, which is neutral and non-polar, with isoleucine, which is neutral and non-polar, at codon 994 of the LRP4 protein (p.Val994Ile). This variant is present in population databases (rs370091369, gnomAD 0.01%). This variant has not been reported in the literature in individuals affected with LRP4-related conditions. ClinVar contains an entry for this variant (Variation ID: 646493). Advanced modeling of protein sequence and biophysical properties (such as structural, functional, and spatial information, amino acid conservation, physicochemical variation, residue mobility, and thermodynamic stability) performed at Invitae indicates that this missense variant is expected to disrupt LRP4 protein function with a positive predictive value of 80%. In summary, the available evidence is currently insufficient to determine the role of this variant in disease. Therefore, it has been classified as a Variant of Uncertain Significance.

GeneDx
Classification: Uncertain significance. Last evaluated: 2023-08-02. Review status: criteria provided, single submitter. Criteria: GeneDx Variant Classification Process June 2021. Collection method: clinical testing. Allele origin: germline. Affected: yes.
Comment: In silico analysis supports that this missense variant does not alter protein structure/function; Has not been previously published as pathogenic or benign to our knowledge

Ambry Genetics
Classification: Uncertain significance for Inborn genetic diseases. Last evaluated: 2022-02-10. Review status: criteria provided, single submitter. Criteria: Ambry Variant Classification Scheme 2023. Collection method: clinical testing. Allele origin: germline.

NM_002334.4(LRP4):c.2980G>A (p.Val994Ile)

Gene: LRP4 (LDL receptor related protein 4; minus strand). Cytogenetic location: 11p11.2.
Variant type: single nucleotide variant.
Coding change: c.2980G>A on transcript NM_002334.4 (MANE Select); coding-DNA position 2980, G replaced by A.
Protein change: p.Val994Ile; replaces valine 994 with isoleucine.
Molecular consequence: missense variant.
Genome position (GRCh38, 1-based): chr11:46,879,150, C>T on the plus strand (G>A on the coding strand, the complement: LRP4 is on the minus strand). VCF-style: chr11-46879150-C-T. GRCh37 (hg19) VCF-style: chr11-46900701-C-T.
Other names: short protein forms V994I.
Identifiers: ClinVar variation 646493 (VCV000646493.11), dbSNP rs370091369, ClinGen allele CA5969743.